The following is an entry in ClinVar:

ClinVar aggregate classification (germline): Uncertain significance (1 of 4 stars; one submission).

gnomAD v4.1: 2 of 1,614,204 alleles (0.00012%); highest among the groups gnomAD compares: African/African-American, 0.0013%; no homozygotes.

Submission:

CeGaT Center for Human Genetics Tuebingen
Classification: Uncertain significance. Last evaluated: 2024-08-01. Review status: criteria provided, single submitter. Criteria: CeGaT Center For Human Genetics Tuebingen Variant Classification Criteria Version 2. Collection method: clinical testing. Allele origin: germline. Affected: yes. Observed: 1 variant allele.
Comment: KANK1: PM2, BP4

NM_015158.5(KANK1):c.2846C>G (p.Thr949Arg)

Gene: KANK1 (KN motif and ankyrin repeat domains 1; plus strand). Cytogenetic location: 9p24.3.
Variant type: single nucleotide variant.
Coding change: c.2846C>G on transcript NM_015158.5 (MANE Select); coding-DNA position 2846, C replaced by G.
Protein change: p.Thr949Arg; replaces threonine 949 with arginine.
Molecular consequence: missense variant. On other transcripts: intron variant (5), non-coding transcript variant (1).
Genome position (GRCh38, 1-based): chr9:730,198, C>G. VCF-style: chr9-730198-C-G. GRCh37 (hg19) VCF-style: chr9-730198-C-G.
Other names: c.2368+4C>G (NM_001354340.2, NM_001354344.2, NM_001354336.2 and 1 more transcripts); c.2846C>G, p.Thr949Arg (NM_001256876.3, NM_001256877.3, NM_001354331.2 and 1 more transcripts); c.2372C>G, p.Thr791Arg (NM_001354333.2, NM_001354335.2, NM_001354337.2 and 5 more transcripts); c.2842+4C>G (NM_001354332.2); short protein forms T791R, T949R.
Identifiers: ClinVar variation 3341991 (VCV003341991.16).